The following is an entry in ClinVar:

NM_000271.5(NPC1):c.2959A>C (p.Lys987Gln)

Gene: NPC1 (NPC intracellular cholesterol transporter 1; minus strand). Cytogenetic location: 18q11.2.
Variant type: single nucleotide variant.
Coding change: c.2959A>C on transcript NM_000271.5 (MANE Select); coding-DNA position 2959, A replaced by C.
Protein change: p.Lys987Gln; replaces lysine 987 with glutamine.
Molecular consequence: missense variant.
Genome position (GRCh38, 1-based): chr18:23,538,624, T>G on the plus strand (A>C on the coding strand, the complement: NPC1 is on the minus strand). VCF-style: chr18-23538624-T-G. GRCh37 (hg19) VCF-style: chr18-21118588-T-G.
Other names: short protein forms K987Q.
Identifiers: ClinVar variation 1442010 (VCV001442010.29), dbSNP rs969498640, ClinGen allele CA297080747.

ClinVar aggregate classification (germline): Uncertain significance. Review status: criteria provided, multiple submitters, no conflicts (2 of 4 stars). 2 submissions from 2 submitters: Uncertain significance (2). Last evaluated 2023-07-01.

Conditions:
Niemann-Pick disease, type C1. Also called: NIEMANN-PICK DISEASE, VARIANT TYPE C1; NEUROVISCERAL STORAGE DISEASE WITH VERTICAL SUPRANUCLEAR OPHTHALMOPLEGIA; NIEMANN-PICK DISEASE WITH CHOLESTEROL ESTERIFICATION BLOCK; NIEMANN-PICK DISEASE WITHOUT SPHINGOMYELINASE DEFICIENCY; NIEMANN-PICK DISEASE, CHRONIC NEURONOPATHIC FORM. Identifiers: Orphanet 646, MedGen C3179455, MONDO:0009757, OMIM 257220.

Allele frequency attached by ClinVar (database versions not stated): gnomAD exomes below 0.00001; TOPMed 0.00001; gnomAD 0.00003.
gnomAD v4.1: 7 of 1,614,050 alleles (0.00043%); highest among the groups gnomAD compares: African/African-American, 0.0027%; no homozygotes.

Submissions (2):

CeGaT Center for Human Genetics Tuebingen
Classification: Uncertain significance. Last evaluated: 2023-07-01. Review status: criteria provided, single submitter. Criteria: CeGaT Center For Human Genetics Tuebingen Variant Classification Criteria Version 2. Collection method: clinical testing. Allele origin: germline. Affected: yes. Observed: 1 variant allele.
Comment: NPC1: PM2

Labcorp Genetics (formerly Invitae), Labcorp
Classification: Uncertain significance for Niemann-Pick disease, type C1. Last evaluated: 2021-08-28. Review status: criteria provided, single submitter. Criteria: Invitae Variant Classification Sherloc (09022015). Collection method: clinical testing. Allele origin: germline.
Comment: This sequence change replaces lysine with glutamine at codon 987 of the NPC1 protein (p.Lys987Gln). The lysine residue is moderately conserved and there is a small physicochemical difference between lysine and glutamine. This variant is not present in population databases (ExAC no frequency). This variant has not been reported in the literature in individuals affected with NPC1-related conditions. Algorithms developed to predict the effect of missense changes on protein structure and function (SIFT, PolyPhen-2, Align-GVGD) all suggest that this variant is likely to be tolerated. In summary, the available evidence is currently insufficient to determine the role of this variant in disease. Therefore, it has been classified as a Variant of Uncertain Significance.